The following is an entry in ClinVar:

NM_001277115.2(DNAH11):c.3182C>A (p.Ser1061Tyr)

Genes: DNAH11 (dynein axonemal heavy chain 11; plus strand), LOC126859961 (BRD4-independent group 4 enhancer GRCh37_chr7:21639662-21640861; plus strand). Cytogenetic location: 7p15.3.
Variant type: single nucleotide variant.
Coding change: c.3182C>A on transcript NM_001277115.2 (MANE Select); coding-DNA position 3182, C replaced by A.
Protein change: p.Ser1061Tyr; replaces serine 1061 with tyrosine.
Molecular consequence: missense variant.
Genome position (GRCh38, 1-based): chr7:21,600,857, C>A. VCF-style: chr7-21600857-C-A. GRCh37 (hg19) VCF-style: chr7-21640475-C-A.
Other names: c.3182C>A (NM_001277115.1); c.3182C>A, p.Ser1061Tyr (NM_003777.3); short protein forms S1061Y.
Identifiers: ClinVar variation 2797444 (VCV002797444.4), dbSNP rs367665090, ClinGen allele CA4179545.

ClinVar aggregate classification (germline): Conflicting classifications of pathogenicity. Review status: criteria provided, conflicting classifications (1 of 4 stars). 2 submissions from 2 submitters: Uncertain significance (1); Benign (1). Last evaluated 2024-11-23.

Conditions:
Primary ciliary dyskinesia. Also called: Ciliary dyskinesia. Identifiers: Orphanet 244, MedGen C0008780, MONDO:0016575, HP:0012265.

Allele frequency attached by ClinVar (database versions not stated): ExAC 0.00005; 1000 Genomes Project 0.00020; TOPMed 0.00020; ESP Exome Variant Server 0.00025; 1000 Genomes Project 30x 0.00031.
gnomAD v4.1: 37 of 1,613,918 alleles (0.0023%); highest among the groups gnomAD compares: African/African-American, 0.047%; no homozygotes.

Submissions (2):

Ambry Genetics
Classification: Uncertain significance for Primary ciliary dyskinesia. Last evaluated: 2024-11-23. Review status: criteria provided, single submitter. Criteria: Ambry Variant Classification Scheme 2023. Collection method: clinical testing. Allele origin: germline.
Comment: The p.S1061Y variant (also known as c.3182C>A), located in coding exon 16 of the DNAH11 gene, results from a C to A substitution at nucleotide position 3182. The serine at codon 1061 is replaced by tyrosine, an amino acid with dissimilar properties. This amino acid position is conserved. In addition, this alteration is predicted to be tolerated by in silico analysis. Based on the available evidence, the clinical significance of this variant remains unclear.

Labcorp Genetics (formerly Invitae), Labcorp
Classification: Benign for Primary ciliary dyskinesia. Last evaluated: 2023-11-06. Review status: criteria provided, single submitter. Criteria: Invitae Variant Classification Sherloc (09022015). Collection method: clinical testing. Allele origin: germline.